The following is an entry in ClinVar:

NM_005876.5(SPEG):c.1963C>A (p.Gln655Lys)

Gene: SPEG (striated muscle enriched protein kinase; plus strand). Cytogenetic location: 2q35.
Variant type: single nucleotide variant.
Coding change: c.1963C>A on transcript NM_005876.5 (MANE Select); coding-DNA position 1963, C replaced by A.
Protein change: p.Gln655Lys; replaces glutamine 655 with lysine.
Molecular consequence: missense variant.
Genome position (GRCh38, 1-based): chr2:219,449,121, C>A. VCF-style: chr2-219449121-C-A. GRCh37 (hg19) VCF-style: chr2-220313843-C-A.
Other names: c.1963C>A (NM_005876.4); short protein forms Q655K.
Identifiers: ClinVar variation 2983465 (VCV002983465.2), dbSNP rs891403654, ClinGen allele CA66005028.

ClinVar aggregate classification (germline): Uncertain significance. Review status: criteria provided, multiple submitters, no conflicts (2 of 4 stars). 2 submissions from 2 submitters: Uncertain significance (2). Last evaluated 2025-03-27.

Conditions:
Inborn genetic diseases. Identifiers: MedGen C0950123, MeSH D030342.

Allele frequency attached by ClinVar (database versions not stated): gnomAD 0.00001; gnomAD exomes 0.00001.
gnomAD v4.1: 15 of 1,462,042 alleles (0.001%); highest among the groups gnomAD compares: Non-Finnish European, 0.0012%; no homozygotes.

Submissions (2):

Ambry Genetics
Classification: Uncertain significance for Inborn genetic diseases. Last evaluated: 2025-03-27. Review status: criteria provided, single submitter. Criteria: Ambry Variant Classification Scheme 2023. Collection method: clinical testing. Allele origin: germline.

Labcorp Genetics (formerly Invitae), Labcorp
Classification: Uncertain significance. Last evaluated: 2023-11-24. Review status: criteria provided, single submitter. Criteria: Invitae Variant Classification Sherloc (09022015). Collection method: clinical testing. Allele origin: germline.
Comment: This sequence change replaces glutamine, which is neutral and polar, with lysine, which is basic and polar, at codon 655 of the SPEG protein (p.Gln655Lys). The frequency data for this variant in the population databases is considered unreliable, as metrics indicate poor data quality at this position in the gnomAD database. This variant has not been reported in the literature in individuals affected with SPEG-related conditions. An algorithm developed to predict the effect of missense changes on protein structure and function (PolyPhen-2) suggests that this variant¬†is likely to be tolerated. In summary, the available evidence is currently insufficient to determine the role of this variant in disease. Therefore, it has been classified as a Variant of Uncertain Significance.